The following is an entry in ClinVar:

NM_004655.4(AXIN2):c.791C>G (p.Thr264Arg)

Gene: AXIN2 (axin 2; minus strand). Cytogenetic location: 17q24.1.
Variant type: single nucleotide variant.
Coding change: c.791C>G on transcript NM_004655.4 (MANE Select); coding-DNA position 791, C replaced by G.
Protein change: p.Thr264Arg; replaces threonine 264 with arginine.
Molecular consequence: missense variant.
Genome position (GRCh38, 1-based): chr17:65,557,830, G>C on the plus strand (C>G on the coding strand, the complement: AXIN2 is on the minus strand). VCF-style: chr17-65557830-G-C. GRCh37 (hg19) VCF-style: chr17-63553948-G-C.
Other names: c.791C>G, p.Thr264Arg (NM_001363813.1); short protein forms T264R.
Identifiers: ClinVar variation 2711245 (VCV002711245.3), dbSNP rs771809149, ClinGen allele CA400680254.

ClinVar aggregate classification (germline): Uncertain significance (1 of 4 stars; one submission).

Conditions:
Oligodontia-cancer predisposition syndrome. Also called: TOOTH AGENESIS-COLORECTAL CANCER SYNDROME. Identifiers: Orphanet 300576, MedGen C1837750, MONDO:0012075, OMIM 608615. Disease mechanism: loss of function.

Submission:

Labcorp Genetics (formerly Invitae), Labcorp
Classification: Uncertain significance for Oligodontia-cancer predisposition syndrome. Last evaluated: 2023-06-11. Review status: criteria provided, single submitter. Criteria: Invitae Variant Classification Sherloc (09022015). Collection method: clinical testing. Allele origin: germline.
Comment: In summary, the available evidence is currently insufficient to determine the role of this variant in disease. Therefore, it has been classified as a Variant of Uncertain Significance. Advanced modeling of protein sequence and biophysical properties (such as structural, functional, and spatial information, amino acid conservation, physicochemical variation, residue mobility, and thermodynamic stability) performed at Invitae indicates that this missense variant is not expected to disrupt AXIN2 protein function. This variant has not been reported in the literature in individuals affected with AXIN2-related conditions. This variant is not present in population databases (gnomAD no frequency). This sequence change replaces threonine, which is neutral and polar, with arginine, which is basic and polar, at codon 264 of the AXIN2 protein (p.Thr264Arg).